The following is an entry in ClinVar:

ClinVar aggregate classification (germline): Uncertain significance. Review status: criteria provided, multiple submitters, no conflicts (2 of 4 stars). 2 submissions from 2 submitters: Uncertain significance (2). Last evaluated 2023-12-20.

Conditions:
Hereditary cancer-predisposing syndrome. Also called: Neoplastic Syndromes, Hereditary; Tumor predisposition; Hereditary Cancer Syndrome; Hereditary neoplastic syndrome. Identifiers: Orphanet 140162, MedGen C0027672, MeSH D009386, MONDO:0015356.

Submissions (2):

Ambry Genetics
Classification: Uncertain significance for Hereditary cancer-predisposing syndrome. Last evaluated: 2023-12-20. Review status: criteria provided, single submitter. Criteria: Ambry Variant Classification Scheme 2023. Collection method: clinical testing. Allele origin: germline.
Comment: The p.F486S variant (also known as c.1457T>C), located in coding exon 10 of the CDH1 gene, results from a T to C substitution at nucleotide position 1457. The phenylalanine at codon 486 is replaced by serine, an amino acid with highly dissimilar properties. This amino acid position is highly conserved in available vertebrate species. In addition, this alteration is predicted to be deleterious by in silico analysis. Since supporting evidence is limited at this time, the clinical significance of this alteration remains unclear.

Color Diagnostics, LLC DBA Color Health
Classification: Uncertain significance for Hereditary cancer-predisposing syndrome. Last evaluated: 2023-12-05. Review status: criteria provided, single submitter. Criteria: ACMG Guidelines, 2015. Collection method: clinical testing. Allele origin: germline.
Comment: This missense variant replaces phenylalanine with serine at codon 486 of the CDH1 protein. To our knowledge, functional studies have not been reported for this variant. This variant has not been reported in individuals affected with CDH1-related disorders in the literature. This variant has not been identified in the general population by the Genome Aggregation Database (gnomAD). The available evidence is insufficient to determine the role of this variant in disease conclusively. Therefore, this variant is classified as a Variant of Uncertain Significance.

NM_004360.5(CDH1):c.1457T>C (p.Phe486Ser)

Gene: CDH1 (cadherin 1; plus strand). Cytogenetic location: 16q22.1.
Variant type: single nucleotide variant.
Coding change: c.1457T>C on transcript NM_004360.5 (MANE Select); coding-DNA position 1457, T replaced by C.
Protein change: p.Phe486Ser; replaces phenylalanine 486 with serine.
Molecular consequence: missense variant. On other transcripts: 5 prime UTR variant (2).
Genome position (GRCh38, 1-based): chr16:68,815,651, T>C. VCF-style: chr16-68815651-T-C. GRCh37 (hg19) VCF-style: chr16-68849554-T-C.
Other names: c.1274T>C, p.Phe425Ser (NM_001317184.2); c.-92T>C (NM_001317185.2); c.-363T>C (NM_001317186.2); c.1457T>C (NM_004360.3); short protein forms F425S, F486S.
Identifiers: ClinVar variation 920732 (VCV000920732.5), dbSNP rs1960965197, ClinGen allele CA396463092.